The following is an entry in ClinVar:

NR_199791.1(RNU2-2):n.152G>A

Genes: RNU2-2 (RNA, U2 small nuclear 2; minus strand), WDR74 (WD repeat domain 74; minus strand). Cytogenetic location: 11q12.3.
Variant type: single nucleotide variant.
Molecular consequence: non-coding transcript variant (on NR_199791.1). On other transcripts: 5 prime UTR variant (1).
Genome position: GRCh38 VCF-style: chr11-62841658-C-T. GRCh37 (hg19) VCF-style: chr11-62609130-C-T.
Other names: c.-387G>A (NM_001369451.1).
Identifiers: ClinVar variation 4540531 (VCV004540531.1).

ClinVar aggregate classification (germline): Uncertain significance (1 of 4 stars; one submission).

Submission:

Institute for Human Genetics, University Hospital Essen
Classification: Uncertain significance. Last evaluated: 2025-11-27. Review status: criteria provided, single submitter. Criteria: Submitter's publication. Collection method: clinical testing. Allele origin: biparental. Inheritance: Autosomal unknown. Affected: yes. Observed: 1 variant allele, 1 homozygote.
Comment: PM1_supp, PP1 (criteria rationale detailed in Leitão et al. Nature Genetics 2026)